The following is an entry in ClinVar:

ClinVar aggregate classification (germline): Likely benign. Review status: reviewed by expert panel (3 of 4 stars). 3 submissions from 3 submitters: Likely benign (1). 2 of the submissions do not count toward it. Last evaluated 2023-08-02.

Conditions:
CDH1-related diffuse gastric and lobular breast cancer syndrome. Also called: CDH1-related diffuse gastric and lobular breast cancer. Identifiers: MedGen CN311521, MONDO:0100488.
Hereditary cancer-predisposing syndrome. Also called: Hereditary neoplastic syndrome; Tumor predisposition; Neoplastic Syndromes, Hereditary; Hereditary Cancer Syndrome. Identifiers: Orphanet 140162, MedGen C0027672, MeSH D009386, MONDO:0015356.
Hereditary diffuse gastric adenocarcinoma (HDGC). Also called: DIFFUSE GASTRIC AND LOBULAR BREAST CANCER SYNDROME. Identifiers: Orphanet 26106, MedGen C1708349, MONDO:0007648, OMIM 137215.

Submissions (3):

Clingen Gastric Cancer Variant Curation Expert Panel
Classification: Likely benign for CDH1-related diffuse gastric and lobular breast cancer syndrome. Last evaluated: 2023-08-02. Review status: reviewed by expert panel. Criteria: ClinGen CDH1 ACMG Specifications V3.1. Collection method: curation. Allele origin: germline. Inheritance: Autosomal dominant inheritance.
Comment: The c.92G>T (NM_004360.5) variant in CDH1 is a missense variant predicted to predicted to cause substitution of Gly by Val at amino acid 31 (p.Gly31Val) in exon 2. This variant was observed in more than ten individuals with no DGC, LBC or SRC tumours and whose families do not suggest HDGC (BS2; Invitae, Ambry). This variant is absent from gnomAD 2.1.1 (PM2_Spporting). In summary, this variant meets the criteria to be classified as likely benign for DGLBCS based on the ACMG/AMP criteria applied, as specified by the ClinGen CDH1 VCEP: PM2_Supporting, BS2. (CDH1 VCEP specifications version 3.1; 05/06/2022)

Ambry Genetics
Classification: Uncertain significance for Hereditary cancer-predisposing syndrome. Last evaluated: 2025-12-02. Review status: criteria provided, single submitter. Criteria: Ambry Variant Classification Scheme 2023. Collection method: clinical testing. Allele origin: germline. Not counted in ClinVar's aggregate classification.
Comment: The p.G31V variant (also known as c.92G>T), located in coding exon 2 of the CDH1 gene, results from a G to T substitution at nucleotide position 92. The glycine at codon 31 is replaced by valine, an amino acid with dissimilar properties. This amino acid position is highly conserved in available vertebrate species. In addition, the in silico prediction for this alteration is inconclusive. Since supporting evidence is limited at this time, the clinical significance of this alteration remains unclear.

Labcorp Genetics (formerly Invitae), Labcorp
Classification: Uncertain significance for Hereditary diffuse gastric adenocarcinoma. Last evaluated: 2024-10-15. Review status: criteria provided, single submitter. Criteria: Invitae Variant Classification Sherloc (09022015). Collection method: clinical testing. Allele origin: germline. Not counted in ClinVar's aggregate classification.
Comment: This sequence change replaces glycine, which is neutral and non-polar, with valine, which is neutral and non-polar, at codon 31 of the CDH1 protein (p.Gly31Val). This variant is not present in population databases (gnomAD no frequency). This variant has not been reported in the literature in individuals affected with CDH1-related conditions. ClinVar contains an entry for this variant (Variation ID: 428635). An algorithm developed to predict the effect of missense changes on protein structure and function (PolyPhen-2) suggests that this variant is likely to be disruptive. In summary, the available evidence is currently insufficient to determine the role of this variant in disease. Therefore, it has been classified as a Variant of Uncertain Significance.

NM_004360.5(CDH1):c.92G>T (p.Gly31Val)

Gene: CDH1 (cadherin 1; plus strand). Cytogenetic location: 16q22.1.
Variant type: single nucleotide variant.
Coding change: c.92G>T on transcript NM_004360.5 (MANE Select); coding-DNA position 92, G replaced by T.
Protein change: p.Gly31Val; replaces glycine 31 with valine.
Molecular consequence: missense variant. On other transcripts: 5 prime UTR variant (2).
Genome position (GRCh38, 1-based): chr16:68,738,340, G>T. VCF-style: chr16-68738340-G-T. GRCh37 (hg19) VCF-style: chr16-68772243-G-T.
Other names: NM_004360.5(CDH1):c.92G>T; p.Gly31Val; c.92G>T (LRG_301t1); c.92G>T, p.Gly31Val (NM_001317184.2); c.-1524G>T (NM_001317185.2); c.-1728G>T (NM_001317186.2); short protein forms G31V.
Identifiers: ClinVar variation 428635 (VCV000428635.19), dbSNP rs1131690823, ClinGen allele CA396451877.